The following is an entry in ClinVar:

NM_032119.4(ADGRV1):c.1140A>G (p.Gln380=)

Gene: ADGRV1 (adhesion G protein-coupled receptor V1; plus strand). Cytogenetic location: 5q14.3.
Variant type: single nucleotide variant.
Coding change: c.1140A>G on transcript NM_032119.4 (MANE Select); coding-DNA position 1140, A replaced by G.
Protein change: p.Gln380=; no amino-acid change (glutamine 380 retained).
Molecular consequence: synonymous variant. On other transcripts: non-coding transcript variant (1).
Genome position (GRCh38, 1-based): chr5:90,627,678, A>G. VCF-style: chr5-90627678-A-G. GRCh37 (hg19) VCF-style: chr5-89923495-A-G.
Identifiers: ClinVar variation 198598 (VCV000198598.23), dbSNP rs373902384, ClinGen allele CA247337.

ClinVar aggregate classification (germline): Conflicting classifications of pathogenicity. Review status: criteria provided, conflicting classifications (1 of 4 stars). 5 submissions from 5 submitters: Uncertain significance (1); Likely benign (3). 1 of the submissions does not count toward it. Last evaluated 2026-01-31.

Conditions:
ADGRV1-related disorder. Also called: ADGRV1-related condition; ADGRV1-related disorders.

Allele frequency attached by ClinVar (database versions not stated): gnomAD 0.00001 and 0.00004; gnomAD exomes 0.00001 and 0.00010; TOPMed 0.00008; ExAC 0.00013; 1000 Genomes Project 30x 0.00062; 1000 Genomes Project 0.00080.
gnomAD v4.1: 52 of 1,613,698 alleles (0.0032%); highest among the groups gnomAD compares: East Asian, 0.053%; no homozygotes.

Submissions (5):

Labcorp Genetics (formerly Invitae), Labcorp
Classification: Likely benign. Last evaluated: 2026-01-31. Review status: criteria provided, single submitter. Criteria: Invitae Variant Classification Sherloc (09022015). Collection method: clinical testing. Allele origin: germline.

Blueprint Genetics
Classification: Likely benign. Last evaluated: 2024-11-25. Review status: criteria provided, single submitter. Criteria: ACMG Guidelines, 2015. Collection method: clinical testing. Allele origin: germline.

GeneDx
Classification: Likely benign. Last evaluated: 2018-12-17. Review status: criteria provided, single submitter. Criteria: GeneDx Variant Classification Process June 2021. Collection method: clinical testing. Allele origin: germline. Affected: yes.

Eurofins Ntd Llc (ga)
Classification: Uncertain significance. Last evaluated: 2015-05-15. Review status: criteria provided, single submitter. Criteria: EGL Classification Definitions 2015. Collection method: clinical testing. Allele origin: germline. Observed: 1 variant allele, 1 heterozygote.

PreventionGenetics, part of Exact Sciences
Classification: Likely benign for ADGRV1-related condition. Last evaluated: 2023-10-31. Review status: no assertion criteria provided. Collection method: clinical testing. Allele origin: germline. Not counted in ClinVar's aggregate classification.
Comment: This variant is classified as likely benign based on ACMG/AMP sequence variant interpretation guidelines (Richards et al. 2015 PMID: 25741868, with internal and published modifications).